The following is an entry in ClinVar:

NM_004304.5(ALK):c.2741G>T (p.Gly914Val)

Gene: ALK (ALK receptor tyrosine kinase; minus strand). Cytogenetic location: 2p23.2.
Variant type: single nucleotide variant.
Coding change: c.2741G>T on transcript NM_004304.5 (MANE Select); coding-DNA position 2741, G replaced by T.
Protein change: p.Gly914Val; replaces glycine 914 with valine.
Molecular consequence: missense variant.
Genome position (GRCh38, 1-based): chr2:29,228,958, C>A on the plus strand (G>T on the coding strand, the complement: ALK is on the minus strand). VCF-style: chr2-29228958-C-A. GRCh37 (hg19) VCF-style: chr2-29451824-C-A.
Other names: c.2741G>T (NM_004304.4); short protein forms G914V.
Identifiers: ClinVar variation 2109890 (VCV002109890.5), dbSNP rs1358074797, ClinGen allele CA346469732.

ClinVar aggregate classification (germline): Uncertain significance. Review status: criteria provided, multiple submitters, no conflicts (2 of 4 stars). 2 submissions from 2 submitters: Uncertain significance (2). Last evaluated 2025-03-07.

Conditions:
Neuroblastoma, susceptibility to, 3. Also called: ALK-Related Neuroblastic Tumor Susceptibility. Identifiers: Orphanet 635, MedGen C2751681, MONDO:0013083, OMIM 613014.
Hereditary cancer-predisposing syndrome. Also called: Hereditary Cancer Syndrome; Tumor predisposition; Neoplastic Syndromes, Hereditary; Hereditary neoplastic syndrome. Identifiers: Orphanet 140162, MedGen C0027672, MeSH D009386, MONDO:0015356.

Submissions (2):

Ambry Genetics
Classification: Uncertain significance for Hereditary cancer-predisposing syndrome. Last evaluated: 2025-03-07. Review status: criteria provided, single submitter. Criteria: Ambry Variant Classification Scheme 2023. Collection method: clinical testing. Allele origin: germline.
Comment: The p.G914V variant (also known as c.2741G>T), located in coding exon 16 of the ALK gene, results from a G to T substitution at nucleotide position 2741. The glycine at codon 914 is replaced by valine, an amino acid with dissimilar properties. This amino acid position is highly conserved in available vertebrate species. In addition, this alteration is predicted to be deleterious by in silico analysis. Based on the available evidence, the clinical significance of this variant remains unclear.

Labcorp Genetics (formerly Invitae), Labcorp
Classification: Uncertain significance for Neuroblastoma, susceptibility to, 3. Last evaluated: 2024-10-16. Review status: criteria provided, single submitter. Criteria: Invitae Variant Classification Sherloc (09022015). Collection method: clinical testing. Allele origin: germline.
Comment: This sequence change replaces glycine, which is neutral and non-polar, with valine, which is neutral and non-polar, at codon 914 of the ALK protein (p.Gly914Val). This variant is not present in population databases (gnomAD no frequency). This variant has not been reported in the literature in individuals affected with ALK-related conditions. ClinVar contains an entry for this variant (Variation ID: 2109890). An algorithm developed to predict the effect of missense changes on protein structure and function (PolyPhen-2) suggests that this variant is likely to be disruptive. Algorithms developed to predict the effect of sequence changes on RNA splicing suggest that this variant may create or strengthen a splice site. In summary, the available evidence is currently insufficient to determine the role of this variant in disease. Therefore, it has been classified as a Variant of Uncertain Significance.